The following is an entry in ClinVar:

NM_014363.6(SACS):c.4910dup (p.Tyr1637Ter)

Gene: SACS (sacsin molecular chaperone; minus strand). Cytogenetic location: 13q12.12.
Variant type: Duplication.
Coding change: c.4910dup on transcript NM_014363.6 (MANE Select); coding-DNA position 4910, one base duplicated (A; older notation c.4910dupA).
Protein change: p.Tyr1637Ter; replaces tyrosine 1637 with a stop codon.
Molecular consequence: nonsense.
Genome position (GRCh38, 1-based): chr13:23,338,966, T duplicated on the plus strand (A on the coding strand, the reverse complement: SACS is on the minus strand). VCF-style (leftmost placement, unchanged base first): chr13-23338965-G-GT. GRCh37 (hg19) VCF-style: chr13-23913104-G-GT.
Other names: c.4469dup, p.Tyr1490Ter (NM_001278055.2); c.4910dupA (NM_014363.5); short protein forms Y1490*, Y1637*.
Identifiers: ClinVar variation 2884146 (VCV002884146.4), dbSNP rs2542274558, ClinGen allele CA2739277471.

ClinVar aggregate classification (germline): Pathogenic/Likely pathogenic. Review status: criteria provided, multiple submitters, no conflicts (2 of 4 stars). 2 submissions from 2 submitters: Pathogenic (1); Likely pathogenic (1). Last evaluated 2024-04-24.

Conditions:
Spastic paraplegia. Identifiers: MedGen C0037772, HP:0001258.
Charlevoix-Saguenay spastic ataxia (SACS). Also called: SPASTIC ATAXIA 6, AUTOSOMAL RECESSIVE; AUTOSOMAL RECESSIVE SPASTIC ATAXIA OF CHARLEVOIX-SAGUENAY; Spastic ataxia of Charlevoix-Saguenay. Identifiers: Orphanet 98, MedGen C1849140, MONDO:0010041, OMIM 270550.

Submissions (2):

Natera, Inc.
Classification: Likely pathogenic for Charlevoix-Saguenay type spastic ataxia. Last evaluated: 2024-04-24. Review status: criteria provided, single submitter. Criteria: Natera Variant Classification Schema (03/2026). Collection method: clinical testing. Allele origin: germline.
Comment: The c.4910dupA variant in SACS is a frameshift variant predicted to shift the reading frame and introduce a stop codon. This variant is expected to result in nonsense mediated decay, truncation, or a dysfunctional protein product. This variant is rare in the general population with a frequency below the threshold expected for the associated phenotype(s). Given the available evidence, this variant is classified as Likely Pathogenic.

Labcorp Genetics (formerly Invitae), Labcorp
Classification: Pathogenic for Spastic paraplegia. Last evaluated: 2022-12-16. Review status: criteria provided, single submitter. Criteria: Invitae Variant Classification Sherloc (09022015). Collection method: clinical testing. Allele origin: germline.
Comment: This variant has not been reported in the literature in individuals affected with SACS-related conditions. For these reasons, this variant has been classified as Pathogenic. This variant disrupts a region of the SACS protein in which other variant(s) (p.Asn4549Asp) have been determined to be pathogenic (PMID: 15156359, 21507954). This suggests that this is a clinically significant region of the protein, and that variants that disrupt it are likely to be disease-causing. This variant is not present in population databases (gnomAD no frequency). This sequence change creates a premature translational stop signal (p.Tyr1637*) in the SACS gene. While this is not anticipated to result in nonsense mediated decay, it is expected to disrupt the last 2943 amino acid(s) of the SACS protein.

Literature cited by the submitters: PubMed 15156359 (cited by Labcorp Genetics (formerly Invitae), Labcorp); PubMed 21507954 (cited by Labcorp Genetics (formerly Invitae), Labcorp).